The following is an entry in ClinVar:

NM_005732.4(RAD50):c.1969+1G>C

Gene: RAD50 (RAD50 double strand break repair protein; plus strand). Cytogenetic location: 5q31.1.
Variant type: single nucleotide variant.
Coding change: c.1969+1G>C on transcript NM_005732.4 (MANE Select); the canonical splice donor site of the intron after coding-DNA position 1969, G replaced by C.
Molecular consequence: splice donor variant.
Genome position (GRCh38, 1-based): chr5:132,595,045, G>C. VCF-style: chr5-132595045-G-C. GRCh37 (hg19) VCF-style: chr5-131930737-G-C.
Identifiers: ClinVar variation 1496587 (VCV001496587.6), dbSNP rs587782078, ClinGen allele CA360948682.

ClinVar aggregate classification (germline): Likely pathogenic (1 of 4 stars; one submission).

Conditions:
Hereditary cancer-predisposing syndrome. Also called: Tumor predisposition; Hereditary neoplastic syndrome; Neoplastic Syndromes, Hereditary; Hereditary Cancer Syndrome. Identifiers: Orphanet 140162, MedGen C0027672, MeSH D009386, MONDO:0015356.

Submission:

Labcorp Genetics (formerly Invitae), Labcorp
Classification: Likely pathogenic for Hereditary cancer-predisposing syndrome. Last evaluated: 2021-07-17. Review status: criteria provided, single submitter. Criteria: Invitae Variant Classification Sherloc (09022015). Collection method: clinical testing. Allele origin: germline.
Comment: In summary, the currently available evidence indicates that the variant is pathogenic, but additional data are needed to prove that conclusively. Therefore, this variant has been classified as Likely Pathogenic. Algorithms developed to predict the effect of sequence changes on RNA splicing suggest that this variant may disrupt the consensus splice site. This variant has not been reported in the literature in individuals affected with RAD50-related conditions. This variant is not present in population databases (ExAC no frequency). This sequence change affects a donor splice site in intron 12 of the RAD50 gene. It is expected to disrupt RNA splicing. Variants that disrupt the donor or acceptor splice site typically lead to a loss of protein function (PMID: 16199547), and loss-of-function variants in RAD50 are known to be pathogenic (PMID: 19409520).

Literature cited by the submitters: PubMed 16199547; PubMed 19409520.